The following is an entry in ClinVar:

ClinVar aggregate classification (germline): Likely pathogenic (1 of 4 stars; one submission).

Allele frequency attached by ClinVar (database versions not stated): TOPMed below 0.00001; gnomAD 0.00001.
gnomAD v4.1: 1 of 1,607,650 alleles (0.000062%); highest among the groups gnomAD compares: Non-Finnish European, 0.000085%; no homozygotes.

Submission:

GeneDx
Classification: Likely pathogenic. Last evaluated: 2025-01-16. Review status: criteria provided, single submitter. Criteria: GeneDx Variant Classification Process June 2021. Collection method: clinical testing. Allele origin: germline. Affected: yes.
Comment: Nonsense variant predicted to result in protein truncation or nonsense mediated decay in a gene for which loss of function is a known mechanism of disease; Not observed at significant frequency in large population cohorts (gnomAD); Has not been previously published as pathogenic or benign to our knowledge

NM_016302.4(CRBN):c.791G>A (p.Trp264Ter)

Gene: CRBN (cereblon; minus strand). Cytogenetic location: 3p26.2.
Variant type: single nucleotide variant.
Coding change: c.791G>A on transcript NM_016302.4 (MANE Select); coding-DNA position 791, G replaced by A.
Protein change: p.Trp264Ter; replaces tryptophan 264 with a stop codon.
Molecular consequence: nonsense.
Genome position (GRCh38, 1-based): chr3:3,154,791, C>T on the plus strand (G>A on the coding strand, the complement: CRBN is on the minus strand). VCF-style: chr3-3154791-C-T. GRCh37 (hg19) VCF-style: chr3-3196475-C-T.
Other names: c.788G>A, p.Trp263Ter (NM_001173482.1); short protein forms W263*, W264*.
Identifiers: ClinVar variation 1684148 (VCV001684148.3), dbSNP rs1450725934, ClinGen allele CA351452121.